The following is an entry in ClinVar:

ClinVar aggregate classification (germline): Uncertain significance (1 of 4 stars; one submission).

Conditions:
BAP1-related tumor predisposition syndrome (TPDS1). Also called: COMMON Syndrome; Tumor susceptibility linked to germline BAP1 mutations; TUMOR PREDISPOSITION SYNDROME 1; BAP1 tumor predisposition syndrome. Identifiers: Orphanet 289539, MedGen C3280492, MONDO:0013692, OMIM 614327.

Submission:

Labcorp Genetics (formerly Invitae), Labcorp
Classification: Uncertain significance for BAP1-related tumor predisposition syndrome. Last evaluated: 2024-03-09. Review status: criteria provided, single submitter. Criteria: Invitae Variant Classification Sherloc (09022015). Collection method: clinical testing. Allele origin: germline.
Comment: This sequence change replaces isoleucine, which is neutral and non-polar, with threonine, which is neutral and polar, at codon 527 of the BAP1 protein (p.Ile527Thr). This variant is not present in population databases (gnomAD no frequency). This variant has not been reported in the literature in individuals affected with BAP1-related conditions. Advanced modeling of protein sequence and biophysical properties (such as structural, functional, and spatial information, amino acid conservation, physicochemical variation, residue mobility, and thermodynamic stability) performed at Invitae indicates that this missense variant is not expected to disrupt BAP1 protein function with a negative predictive value of 80%. In summary, the available evidence is currently insufficient to determine the role of this variant in disease. Therefore, it has been classified as a Variant of Uncertain Significance.

NM_004656.4(BAP1):c.1580T>C (p.Ile527Thr)

Gene: BAP1 (BRCA1 associated deubiquitinase 1; minus strand). Cytogenetic location: 3p21.1.
Variant type: single nucleotide variant.
Coding change: c.1580T>C on transcript NM_004656.4 (MANE Select); coding-DNA position 1580, T replaced by C.
Protein change: p.Ile527Thr; replaces isoleucine 527 with threonine.
Molecular consequence: missense variant.
Genome position (GRCh38, 1-based): chr3:52,403,565, A>G on the plus strand (T>C on the coding strand, the complement: BAP1 is on the minus strand). VCF-style: chr3-52403565-A-G. GRCh37 (hg19) VCF-style: chr3-52437581-A-G.
Other names: c.1526T>C, p.Ile509Thr (NM_001410772.1); short protein forms I509T, I527T.
Identifiers: ClinVar variation 3645137 (VCV003645137.2).